The following is an entry in ClinVar:

NM_153766.3(KCNJ1):c.589C>T (p.Leu197Phe)

Gene: KCNJ1 (potassium inwardly rectifying channel subfamily J member 1; minus strand). Cytogenetic location: 11q24.3.
Variant type: single nucleotide variant.
Coding change: c.589C>T on transcript NM_153766.3 (MANE Select); coding-DNA position 589, C replaced by T.
Protein change: p.Leu197Phe; replaces leucine 197 with phenylalanine.
Molecular consequence: missense variant.
Genome position (GRCh38, 1-based): chr11:128,839,655, G>A on the plus strand (C>T on the coding strand, the complement: KCNJ1 is on the minus strand). VCF-style: chr11-128839655-G-A. GRCh37 (hg19) VCF-style: chr11-128709550-G-A.
Other names: c.646C>T, p.Leu216Phe (NM_000220.6); c.589C>T, p.Leu197Phe (NM_153764.3, NM_153767.4); c.640C>T, p.Leu214Phe (NM_153765.3); short protein forms L197F, L214F, L216F.
Identifiers: ClinVar variation 4819691 (VCV004819691.1).

ClinVar aggregate classification (germline): Likely pathogenic (1 of 4 stars; one submission).

Conditions:
Bartter disease type 2. Also called: HYPOKALEMIC ALKALOSIS WITH HYPERCALCIURIA 2, ANTENATAL; HYPERPROSTAGLANDIN E SYNDROME 2; Bartter syndrome, type 2, antenatal. Identifiers: Orphanet 112, Orphanet 620220, MedGen C1855849, MONDO:0009424, OMIM 241200.

Submission:

Division of Genetic & Genomic Pathology, Hong Kong Children's Hospital
Classification: Likely pathogenic for Bartter disease type 2. Last evaluated: 2024-09-05. Review status: criteria provided, single submitter. Criteria: ACMG Guidelines, 2015. Collection method: clinical testing. Allele origin: germline. Affected: yes.
Comment: KCNJ1 c.589C>T p.(Leu197Phe) is a novel missense variant located in the potassium channel inwardly rectifying (Kir) protein domain. It is absent in control populations (gnomAD v4.1.0). This variant has not been reported in human mutation databases (ClinVar and HGMD Professional v2024.2) and literature. Multiple in-silico algorithms suggest damaging effect on protein function (REVEL score: 0.774). Therefore, this variant is classified as a likely pathogenic. This variant was inherited in trans with another missense variant.